The following is an entry in ClinVar:

ClinVar aggregate classification (germline): Uncertain significance. Review status: criteria provided, multiple submitters, no conflicts (2 of 4 stars). 2 submissions from 2 submitters: Uncertain significance (2). Last evaluated 2025-07-06.

Conditions:
Cardiovascular phenotype. Identifiers: MedGen CN230736.
RASopathy. Also called: Noonan spectrum disorder; rasopathies. Identifiers: Orphanet 536391, MedGen C5555857, MONDO:0021060.

Allele frequency attached by ClinVar (database versions not stated): TOPMed below 0.00001; gnomAD exomes 0.00001.
gnomAD v4.1: 10 of 1,614,064 alleles (0.00062%); highest among the groups gnomAD compares: Non-Finnish European, 0.00085%; no homozygotes.

Submissions (2):

Labcorp Genetics (formerly Invitae), Labcorp
Classification: Uncertain significance for RASopathy. Last evaluated: 2025-07-06. Review status: criteria provided, single submitter. Criteria: Invitae Variant Classification Sherloc (09022015). Collection method: clinical testing. Allele origin: germline.
Comment: This sequence change falls in intron 7 of the RAF1 gene. It does not directly change the encoded amino acid sequence of the RAF1 protein. It affects a nucleotide within the consensus splice site. This variant is not present in population databases (gnomAD no frequency). This variant has not been reported in the literature in individuals affected with RAF1-related conditions. ClinVar contains an entry for this variant (Variation ID: 1509984). Variants that disrupt the consensus splice site are a relatively common cause of aberrant splicing (PMID: 17576681, 9536098). Algorithms developed to predict the effect of sequence changes on RNA splicing suggest that this variant is not likely to affect RNA splicing. In summary, the available evidence is currently insufficient to determine the role of this variant in disease. Therefore, it has been classified as a Variant of Uncertain Significance.

Ambry Genetics
Classification: Uncertain significance for Cardiovascular phenotype. Last evaluated: 2022-10-18. Review status: criteria provided, single submitter. Criteria: Ambry Variant Classification Scheme 2023. Collection method: clinical testing. Allele origin: germline.
Comment: The c.834+4A>C intronic variant results from an A to C substitution 4 nucleotides after coding exon 6 in the RAF1 gene. This nucleotide position is well conserved in available vertebrate species. In silico splice site analysis predicts that this alteration will not have any significant effect on splicing. Since supporting evidence is limited at this time, the clinical significance of this alteration remains unclear.

Literature cited by the submitters: PubMed 17576681 (cited by Labcorp Genetics (formerly Invitae), Labcorp); PubMed 9536098 (cited by Labcorp Genetics (formerly Invitae), Labcorp).

NM_002880.4(RAF1):c.834+4A>C

Gene: RAF1 (Raf-1 proto-oncogene, serine/threonine kinase; minus strand). Cytogenetic location: 3p25.2.
Variant type: single nucleotide variant.
Coding change: c.834+4A>C on transcript NM_002880.4 (MANE Select); 4 bases into the intron after coding-DNA position 834, A replaced by C.
Molecular consequence: intron variant.
Genome position (GRCh38, 1-based): chr3:12,604,132, T>G on the plus strand (A>C on the coding strand, the complement: RAF1 is on the minus strand). VCF-style: chr3-12604132-T-G. GRCh37 (hg19) VCF-style: chr3-12645631-T-G.
Other names: c.492+4A>C (NM_001354695.3); c.591+4A>C (NM_001354692.3, NM_001354694.3, NM_001354691.3); c.735+4A>C (NM_001354693.3); c.834+4A>C (NM_001354689.3, NM_001354690.3).
Identifiers: ClinVar variation 1509984 (VCV001509984.8), dbSNP rs2058950056, ClinGen allele CA1346218712.